The following is an entry in ClinVar:

NM_021147.5(CCNO):c.986C>T (p.Thr329Ile)

Gene: CCNO (cyclin O; minus strand). Cytogenetic location: 5q11.2.
Variant type: single nucleotide variant.
Coding change: c.986C>T on transcript NM_021147.5 (MANE Select); coding-DNA position 986, C replaced by T.
Protein change: p.Thr329Ile; replaces threonine 329 with isoleucine.
Molecular consequence: missense variant. On other transcripts: non-coding transcript variant (3).
Genome position (GRCh38, 1-based): chr5:55,231,442, G>A on the plus strand (C>T on the coding strand, the complement: CCNO is on the minus strand). VCF-style: chr5-55231442-G-A. GRCh37 (hg19) VCF-style: chr5-54527270-G-A.
Other names: c.986C>T (NM_021147.4); short protein forms T329I.
Identifiers: ClinVar variation 3264594 (VCV003264594.2).
Genomic context (GRCh38, chr5:55,231,442, plus strand): 5'-GAGCTCGGGGGCAGGCTGCACTTCTCGCAGATCTGAACGGGCAGCATGTGAGTCAAGGAA[G>A]TACTGTTTATGGCCACCAGCAGCTGCAACTTGCCCATACAGTCCTCCAGCGCCGCCTCCG-3'
Protein context (NP_066970.3, residues 319-339): KLQLLVAINS[Thr329Ile]SLTHMLPVQI

ClinVar aggregate classification (germline): Uncertain significance. Review status: criteria provided, multiple submitters, no conflicts (2 of 4 stars). 2 submissions from 2 submitters: Uncertain significance (2). Last evaluated 2026-01-22.

Conditions:
Inborn genetic diseases. Identifiers: MedGen C0950123, MeSH D030342.

gnomAD v4.1: 1 of 1,614,190 alleles (0.000062%); highest among the groups gnomAD compares: Non-Finnish European, 0.000085%; no homozygotes.

Submissions (2):

GeneDx
Classification: Uncertain significance. Last evaluated: 2026-01-22. Review status: criteria provided, single submitter. Criteria: GeneDx Variant Classification Process June 2021. Collection method: clinical testing. Allele origin: germline.
Comment: Not observed at significant frequency in large population cohorts (gnomAD); In silico analysis suggests that this missense variant does not alter protein structure/function; Has not been previously published as pathogenic or benign to our knowledge

Ambry Genetics
Classification: Uncertain significance for Inborn genetic diseases. Last evaluated: 2024-04-22. Review status: criteria provided, single submitter. Criteria: Ambry Variant Classification Scheme 2023. Collection method: clinical testing. Allele origin: germline.